The following is an entry in ClinVar:

NM_001036.6(RYR3):c.12021C>T (p.Asn4007=)

Gene: RYR3 (ryanodine receptor 3; plus strand). Cytogenetic location: 15q14.
Variant type: single nucleotide variant.
Coding change: c.12021C>T on transcript NM_001036.6 (MANE Select); coding-DNA position 12021, C replaced by T.
Protein change: p.Asn4007=; no amino-acid change (asparagine 4007 retained).
Molecular consequence: synonymous variant.
Genome position (GRCh38, 1-based): chr15:33,838,001, C>T. VCF-style: chr15-33838001-C-T. GRCh37 (hg19) VCF-style: chr15-34130202-C-T.
Other names: c.12006C>T, p.Asn4002= (NM_001243996.4).
Identifiers: ClinVar variation 3052994 (VCV003052994.2), dbSNP rs28655866, ClinGen allele CA7461342.

ClinVar aggregate classification (germline): Likely benign (0 of 4 stars; one submission).

Conditions:
RYR3-related disorder. Also called: RYR3-related condition.

Allele frequency attached by ClinVar (database versions not stated): TOPMed 0.00001; gnomAD exomes 0.00002; gnomAD 0.00003; ExAC 0.00007.
gnomAD v4.1: 31 of 1,613,820 alleles (0.0019%); highest among the groups gnomAD compares: South Asian, 0.018%; no homozygotes.

Submission:

PreventionGenetics, part of Exact Sciences
Classification: Likely benign for RYR3-related condition. Last evaluated: 2019-08-19. Review status: no assertion criteria provided. Collection method: clinical testing. Allele origin: germline.
Comment: This variant is classified as likely benign based on ACMG/AMP sequence variant interpretation guidelines (Richards et al. 2015 PMID: 25741868, with internal and published modifications).